The following is an entry in ClinVar:

ClinVar aggregate classification (germline): Uncertain significance (1 of 4 stars; one submission).

Conditions:
Emery-Dreifuss muscular dystrophy 4, autosomal dominant (EDMD4). Also called: EMERY-DREIFUSS MUSCULAR DYSTROPHY 4 WITH VARIABLE FEATURES. Identifiers: Orphanet 261, MedGen C2751807, MONDO:0013071, OMIM 612998.
Autosomal recessive ataxia, Beauce type. Also called: Spinocerebellar ataxia, autosomal recessive 8; ATAXIA, RECESSIVE, OF BEAUCE; SYNE1 Deficiency; SYNE1-Related Autosomal Recessive Cerebellar Ataxia. Identifiers: Orphanet 88644, MedGen C1853116, MONDO:0012549, OMIM 610743.

Allele frequency attached by ClinVar (database versions not stated): gnomAD exomes 0.00001; TOPMed 0.00001.
gnomAD v4.1: 10 of 1,614,150 alleles (0.00062%); highest among the groups gnomAD compares: Non-Finnish European, 0.00085%; no homozygotes.

Submission:

Labcorp Genetics (formerly Invitae), Labcorp
Classification: Uncertain significance for Emery-Dreifuss muscular dystrophy 4, autosomal dominant; Autosomal recessive ataxia, Beauce type. Last evaluated: 2023-12-09. Review status: criteria provided, single submitter. Criteria: Invitae Variant Classification Sherloc (09022015). Collection method: clinical testing. Allele origin: germline.
Comment: This sequence change replaces valine, which is neutral and non-polar, with isoleucine, which is neutral and non-polar, at codon 4491 of the SYNE1 protein (p.Val4491Ile). This variant is present in population databases (no rsID available, gnomAD 0.002%). This variant has not been reported in the literature in individuals affected with SYNE1-related conditions. ClinVar contains an entry for this variant (Variation ID: 1431437). An algorithm developed to predict the effect of missense changes on protein structure and function (PolyPhen-2) suggests that this variant is likely to be disruptive. In summary, the available evidence is currently insufficient to determine the role of this variant in disease. Therefore, it has been classified as a Variant of Uncertain Significance.

NM_182961.4(SYNE1):c.13684G>A (p.Val4562Ile)

Gene: SYNE1 (spectrin repeat containing nuclear envelope protein 1; minus strand). Cytogenetic location: 6q25.2.
Variant type: single nucleotide variant.
Coding change: c.13684G>A on transcript NM_182961.4 (MANE Select); coding-DNA position 13684, G replaced by A.
Protein change: p.Val4562Ile; replaces valine 4562 with isoleucine.
Molecular consequence: missense variant.
Genome position (GRCh38, 1-based): chr6:152,331,001, C>T on the plus strand (G>A on the coding strand, the complement: SYNE1 is on the minus strand). VCF-style: chr6-152331001-C-T. GRCh37 (hg19) VCF-style: chr6-152652136-C-T.
Other names: c.13471G>A, p.Val4491Ile (NM_033071.5); short protein forms V4491I, V4562I.
Identifiers: ClinVar variation 1431437 (VCV001431437.8), dbSNP rs973116936, ClinGen allele CA150177378.